The following is an entry in ClinVar:

NM_013432.5(TONSL):c.2704C>T (p.Pro902Ser)

Genes: TONSL (tonsoku like, DNA repair protein; minus strand), TONSL-AS1 (TONSL antisense RNA 1; plus strand). Cytogenetic location: 8q24.3.
Variant type: single nucleotide variant.
Coding change: c.2704C>T on transcript NM_013432.5 (MANE Select); coding-DNA position 2704, C replaced by T.
Protein change: p.Pro902Ser; replaces proline 902 with serine.
Molecular consequence: missense variant.
Genome position (GRCh38, 1-based): chr8:144,435,729, G>A on the plus strand (C>T on the coding strand, the complement: TONSL is on the minus strand). VCF-style: chr8-144435729-G-A. GRCh37 (hg19) VCF-style: chr8-145661112-G-A.
Other names: short protein forms P902S.
Identifiers: ClinVar variation 1379007 (VCV001379007.6), dbSNP rs778000482, ClinGen allele CA4942751.

ClinVar aggregate classification (germline): Uncertain significance (1 of 4 stars; one submission).

Allele frequency attached by ClinVar (database versions not stated): gnomAD exomes 0.00001 and 0.00005; gnomAD 0.00002; TOPMed 0.00002; ExAC 0.00003.
gnomAD v4.1: 81 of 1,612,460 alleles (0.005%); highest among the groups gnomAD compares: Non-Finnish European, 0.0067%; no homozygotes.

Submission:

Labcorp Genetics (formerly Invitae), Labcorp
Classification: Uncertain significance. Last evaluated: 2023-09-25. Review status: criteria provided, single submitter. Criteria: Invitae Variant Classification Sherloc (09022015). Collection method: clinical testing. Allele origin: germline.
Comment: In summary, the available evidence is currently insufficient to determine the role of this variant in disease. Therefore, it has been classified as a Variant of Uncertain Significance. Advanced modeling of protein sequence and biophysical properties (such as structural, functional, and spatial information, amino acid conservation, physicochemical variation, residue mobility, and thermodynamic stability) performed at Invitae indicates that this missense variant is not expected to disrupt TONSL protein function. This sequence change replaces proline, which is neutral and non-polar, with serine, which is neutral and polar, at codon 902 of the TONSL protein (p.Pro902Ser). This variant is present in population databases (rs778000482, gnomAD 0.0009%). This variant has not been reported in the literature in individuals affected with TONSL-related conditions. ClinVar contains an entry for this variant (Variation ID: 1379007).